The following is an entry in ClinVar:

ClinVar aggregate classification (germline): Likely pathogenic (1 of 4 stars; one submission).

Conditions:
Beck-Fahrner syndrome (BEFAHRS). Identifiers: Orphanet 684216, MedGen C5394097, MONDO:0032922, OMIM 618798.

Submission:

Clinical Genomics Laboratory, Washington University in St. Louis
Classification: Likely pathogenic for Beck-Fahrner syndrome. Last evaluated: 2023-11-27. Review status: criteria provided, single submitter. Criteria: ACMG Guidelines, 2015. Collection method: clinical testing. Allele origin: germline. Affected: yes.
Comment: The TET3 c.2059_2062dup (p.Pro688GlnfsTer19) variant, to our knowledge, has not been reported in the medical literature and is absent from the general population (gnomAD v.2.1.1), indicating it is not a common variant. This variant causes a frameshift by duplicating four nucleotides, leading to a premature termination codon, which is predicted to lead to nonsense mediated decay. Additionally, other variants that introduce a premature termination codon have been described in affected individuals and are considered pathogenic (Beck DB et al., PMID: 31928709). Based on available information and the ACMG/AMP guidelines for variant interpretation (Richards S et al., PMID: 25 741868), this variant is classified as likely pathogenic.

NM_001287491.2(TET3):c.2059_2062dup (p.Pro688fs)

Gene: TET3 (tet methylcytosine dioxygenase 3; plus strand). Cytogenetic location: 2p13.1.
Variant type: Duplication.
Coding change: c.2059_2062dup on transcript NM_001287491.2 (MANE Select); coding-DNA positions 2059 to 2062, 4 bases duplicated (AGCC; older notation c.2059_2062dupAGCC).
Protein change: p.Pro688fs; shifts the reading frame from proline 688.
Molecular consequence: frameshift variant.
Genome position (GRCh38, 1-based): chr2:74,047,976-74,047,979, AGCC duplicated; duplicating any 4 consecutive bases within chr2:74,047,974-74,047,979 gives the same sequence; the c. name uses the placement nearest the transcript's 3' end. VCF-style (leftmost placement, unchanged base first): chr2-74047973-C-CCCAG. GRCh37 (hg19) VCF-style: chr2-74275100-C-CCCAG.
Other names: c.1780_1783dup, p.Pro595fs (NM_001366022.1); c.1654_1657dup, p.Pro553Glnfs (NM_144993.1); short protein forms P595fs, P688fs.
Identifiers: ClinVar variation 3236648 (VCV003236648.1), dbSNP rs2467442575, ClinGen allele CA2825001161.